The following is an entry in ClinVar:

ClinVar aggregate classification (germline): Uncertain significance. Review status: criteria provided, multiple submitters, no conflicts (2 of 4 stars). 3 submissions from 3 submitters: Uncertain significance (3). Last evaluated 2026-04-14.

Conditions:
Familial intrahepatic cholestasis. Identifiers: Orphanet 284385, MedGen CN296401, MONDO:0017290.

Allele frequency attached by ClinVar (database versions not stated): 1000 Genomes Project 0.00020; gnomAD exomes below 0.00001; gnomAD 0.00001; ExAC 0.00002; 1000 Genomes Project 30x 0.00016.
gnomAD v4.1: 4 of 1,614,140 alleles (0.00025%); highest among the groups gnomAD compares: South Asian, 0.0044%; no homozygotes.

Submissions (3):

Genomenon, Inc
Classification: Uncertain significance for Familial intrahepatic cholestasis. Last evaluated: 2026-04-14. Review status: criteria provided, single submitter. Criteria: Genomenon Sequence Variant Interpretation Standards - Updated. Collection method: curation. Allele origin: germline. Affected: yes.
Comment: ABCB4 p.Asn550Lys (c.1650C>A) is a missense variant that changes the amino acid at residue 550 from Asparagine to Lysine. This variant has been observed in at least one proband with an ABCB4-related disorder (PMID:38610052). It is absent or not present at a significant frequency in gnomAD. In conclusion, we classify ABCB4 p.Asn550Lys (c.1650C>A) as a variant of uncertain significance.

Women's Health and Genetics/Laboratory Corporation of America, LabCorp
Classification: Uncertain significance. Last evaluated: 2025-09-22. Review status: criteria provided, single submitter. Criteria: LabCorp Variant Classification Summary - May 2015. Collection method: clinical testing. Allele origin: germline.
Comment: Variant summary: ABCB4 c.1650C>A (p.Asn550Lys) results in a non-conservative amino acid change in the encoded protein sequence. Algorithms developed to predict the effect of missense changes on protein structure and function are either unavailable or do not agree on the potential impact of this missense change. The variant allele was found at a frequency of 4e-06 in 251302 control chromosomes. The available data on variant occurrences in the general population are insufficient to allow any conclusion about variant significance. c.1650C>A has been observed in the compound heterozygous state in at least 1 individual(s) affected with Progressive Familial Intrahepatic Cholestasis (example, Cao_2024). These data do not allow any conclusion about variant significance. To our knowledge, no experimental evidence demonstrating an impact on protein function has been reported. The following publication has been ascertained in the context of this evaluation (PMID: 38610052). ClinVar contains an entry for this variant (Variation ID: 2004402). Based on the evidence outlined above, the variant was classified as uncertain significance.

Labcorp Genetics (formerly Invitae), Labcorp
Classification: Uncertain significance. Last evaluated: 2022-06-10. Review status: criteria provided, single submitter. Criteria: Invitae Variant Classification Sherloc (09022015). Collection method: clinical testing. Allele origin: germline.
Comment: This sequence change replaces asparagine, which is neutral and polar, with lysine, which is basic and polar, at codon 550 of the ABCB4 protein (p.Asn550Lys). This variant is present in population databases (rs539294080, gnomAD 0.003%). This variant has not been reported in the literature in individuals affected with ABCB4-related conditions. Algorithms developed to predict the effect of missense changes on protein structure and function (SIFT, PolyPhen-2, Align-GVGD) all suggest that this variant is likely to be disruptive. In summary, the available evidence is currently insufficient to determine the role of this variant in disease. Therefore, it has been classified as a Variant of Uncertain Significance.

Literature cited by the submitters: PubMed 38610052 (cited by Genomenon, Inc and Women's Health and Genetics/Laboratory Corporation of America, LabCorp).

NM_000443.4(ABCB4):c.1650C>A (p.Asn550Lys)

Gene: ABCB4 (ATP binding cassette subfamily B member 4; minus strand). Cytogenetic location: 7q21.12.
Variant type: single nucleotide variant.
Coding change: c.1650C>A on transcript NM_000443.4 (MANE Select); coding-DNA position 1650, C replaced by A.
Protein change: p.Asn550Lys; replaces asparagine 550 with lysine.
Molecular consequence: missense variant.
Genome position (GRCh38, 1-based): chr7:87,439,748, G>T on the plus strand (C>A on the coding strand, the complement: ABCB4 is on the minus strand). VCF-style: chr7-87439748-G-T. GRCh37 (hg19) VCF-style: chr7-87069064-G-T.
Other names: c.1650C>A, p.Asn550Lys (NM_018849.3, NM_018850.3); short protein forms N550K.
Identifiers: ClinVar variation 2004402 (VCV002004402.3), dbSNP rs539294080, ClinGen allele CA4327249.